The following is an entry in ClinVar:

ClinVar aggregate classification (germline): Benign. Review status: criteria provided, multiple submitters, no conflicts (2 of 4 stars). 5 submissions from 3 submitters: Benign (5). Last evaluated 2021-07-01.

Conditions:
Usher syndrome type 1 (USH1). Also called: RETINITIS PIGMENTOSA AND CONGENITAL DEAFNESS. Identifiers: Orphanet 231169, Orphanet 886, MedGen C1568247, MONDO:0010168, OMIM 276900.
Autosomal dominant nonsyndromic hearing loss 11. Identifiers: Orphanet 90635, MedGen C1832475, MONDO:0011032, OMIM 601317.
Autosomal recessive nonsyndromic hearing loss 2. Also called: DEAFNESS, AUTOSOMAL RECESSIVE 2; NEUROSENSORY NONSYNDROMIC RECESSIVE DEAFNESS 2. Identifiers: Orphanet 90636, MedGen C1838701, MONDO:0010807, OMIM 600060.

Allele frequency attached by ClinVar (database versions not stated): gnomAD 0.24810 and 0.25193; TOPMed 0.26417; 1000 Genomes Project 30x 0.27420; 1000 Genomes Project 0.27736.
gnomAD v4.1: 375,693 of 1,378,918 alleles (27%); highest among the groups gnomAD compares: Admixed American, 47%; 53,699 homozygotes.

Submissions (5):

Genome-Nilou Lab
Classification: Benign for Autosomal dominant nonsyndromic hearing loss 11. Last evaluated: 2021-07-01. Review status: criteria provided, single submitter. Criteria: ACMG Guidelines, 2015. Collection method: clinical testing. Allele origin: germline. Affected: no.

Genome-Nilou Lab
Classification: Benign for Autosomal recessive nonsyndromic hearing loss 2. Last evaluated: 2021-07-01. Review status: criteria provided, single submitter. Criteria: ACMG Guidelines, 2015. Collection method: clinical testing. Allele origin: germline. Affected: no.

Genome-Nilou Lab
Classification: Benign for Usher syndrome type 1. Last evaluated: 2021-07-01. Review status: criteria provided, single submitter. Criteria: ACMG Guidelines, 2015. Collection method: clinical testing. Allele origin: germline. Affected: no.

GeneDx
Classification: Benign. Last evaluated: 2018-06-14. Review status: criteria provided, single submitter. Criteria: GeneDx Variant Classification (06012015). Collection method: clinical testing. Allele origin: germline. Affected: yes.
Comment: This variant is considered likely benign or benign based on one or more of the following criteria: it is a conservative change, it occurs at a poorly conserved position in the protein, it is predicted to be benign by multiple in silico algorithms, and/or has population frequency not consistent with disease.

Breakthrough Genomics
Classification: Benign. Review status: criteria provided, single submitter. Criteria: ACMG Guidelines, 2015. Collection method: not provided. Allele origin: germline. Inheritance: Autosomal recessive inheritance. Affected: yes.

NM_000260.4(MYO7A):c.4442-113A>G

Gene: MYO7A (myosin VIIA; plus strand). Cytogenetic location: 11q13.5.
Variant type: single nucleotide variant.
Coding change: c.4442-113A>G on transcript NM_000260.4 (MANE Select); 113 bases into the intron before coding-DNA position 4442, A replaced by G.
Molecular consequence: intron variant.
Genome position (GRCh38, 1-based): chr11:77,198,382, A>G. VCF-style: chr11-77198382-A-G. GRCh37 (hg19) VCF-style: chr11-76909427-A-G.
Other names: c.4409-113A>G (NM_001369365.1); c.4442-113A>G (NM_001127180.2).
Identifiers: ClinVar variation 670380 (VCV000670380.5), dbSNP rs3781692, ClinGen allele CA13571998.